The following is an entry in ClinVar:

ClinVar aggregate classification (germline): Uncertain significance (1 of 4 stars; one submission).

Conditions:
Familial melanoma. Also called: Hereditary melanoma; Hereditary cutaneous melanoma. Identifiers: Orphanet 618, MedGen C1512419, MONDO:0018961.

Submission:

Labcorp Genetics (formerly Invitae), Labcorp
Classification: Uncertain significance for Familial melanoma. Last evaluated: 2022-09-22. Review status: criteria provided, single submitter. Criteria: Invitae Variant Classification Sherloc (09022015). Collection method: clinical testing. Allele origin: germline.
Comment: This variant has not been reported in the literature in individuals affected with CDK4-related conditions. In summary, the available evidence is currently insufficient to determine the role of this variant in disease. Therefore, it has been classified as a Variant of Uncertain Significance. Advanced modeling of protein sequence and biophysical properties (such as structural, functional, and spatial information, amino acid conservation, physicochemical variation, residue mobility, and thermodynamic stability) performed at Invitae indicates that this missense variant is not expected to disrupt CDK4 protein function. This variant is not present in population databases (gnomAD no frequency). This sequence change replaces serine, which is neutral and polar, with threonine, which is neutral and polar, at codon 81 of the CDK4 protein (p.Ser81Thr).

NM_000075.4(CDK4):c.241T>A (p.Ser81Thr)

Gene: CDK4 (cyclin dependent kinase 4; minus strand). Cytogenetic location: 12q14.1.
Variant type: single nucleotide variant.
Coding change: c.241T>A on transcript NM_000075.4 (MANE Select); coding-DNA position 241, T replaced by A.
Protein change: p.Ser81Thr; replaces serine 81 with threonine.
Molecular consequence: missense variant.
Genome position (GRCh38, 1-based): chr12:57,751,320, A>T on the plus strand (T>A on the coding strand, the complement: CDK4 is on the minus strand). VCF-style: chr12-57751320-A-T. GRCh37 (hg19) VCF-style: chr12-58145103-A-T.
Other names: short protein forms S81T.
Identifiers: ClinVar variation 1720049 (VCV001720049.5), dbSNP rs2140387533, ClinGen allele CA385548251.